The following is an entry in ClinVar:

ClinVar aggregate classification (germline): Likely pathogenic (1 of 4 stars; one submission).

Conditions:
Retinitis pigmentosa 11 (RP11). Identifiers: Orphanet 791, MedGen C1838601, MONDO:0010828, OMIM 600138.

Submission:

3billion
Classification: Likely pathogenic for Retinitis pigmentosa 11. Last evaluated: 2024-12-06. Review status: criteria provided, single submitter. Criteria: ACMG Guidelines, 2015. Collection method: clinical testing. Allele origin: germline. Affected: yes.
Comment: The variant is not observed in the gnomAD v4.1.0 dataset. Predicted Consequence/Location: Frameshift: predicted to result in a loss or disruption of normal protein function through nonsense-mediated decay (NMD) or protein truncation. Multiple pathogenic variants are reported downstream of the variant. Therefore, this variant is classified as Likely pathogenic according to the recommendation of ACMG/AMP guideline.

NM_015629.4(PRPF31):c.22_44del (p.Leu8fs)

Gene: PRPF31 (pre-mRNA processing factor 31; plus strand). Cytogenetic location: 19q13.42.
Variant type: Deletion.
Coding change: c.22_44del on transcript NM_015629.4 (MANE Select); coding-DNA positions 22 to 44, 23 bases deleted (TTAGCTGATCTCGAAGAGGCAGC).
Protein change: p.Leu8fs; shifts the reading frame from leucine 8.
Molecular consequence: frameshift variant.
Genome position (GRCh38, 1-based): chr19:54,118,300-54,118,322, TTAGCTGATCTCGAAGAGGCAGC deleted; deleting any 23 consecutive bases within chr19:54,118,299-54,118,322 gives the same sequence; the c. name uses the placement nearest the transcript's 3' end. VCF-style (leftmost placement, unchanged base first): chr19-54118298-TCTTAGCTGATCTCGAAGAGGCAG-T. GRCh37 (hg19) VCF-style: chr19-54621678-TCTTAGCTGATCTCGAAGAGGCAG-T.
Other names: short protein forms L8fs.
Identifiers: ClinVar variation 4292093 (VCV004292093.1).